The following is an entry in ClinVar:

NM_015915.5(ATL1):c.845T>G (p.Phe282Cys)

Gene: ATL1 (atlastin GTPase 1; plus strand). Cytogenetic location: 14q22.1.
Variant type: single nucleotide variant.
Coding change: c.845T>G on transcript NM_015915.5 (MANE Select); coding-DNA position 845, T replaced by G.
Protein change: p.Phe282Cys; replaces phenylalanine 282 with cysteine.
Molecular consequence: missense variant.
Genome position (GRCh38, 1-based): chr14:50,614,494, T>G. VCF-style: chr14-50614494-T-G. GRCh37 (hg19) VCF-style: chr14-51081212-T-G.
Other names: c.845T>G, p.Phe282Cys (NM_001127713.1, NM_181598.4); short protein forms F282C.
Identifiers: ClinVar variation 2507232 (VCV002507232.1), dbSNP rs2504544112, ClinGen allele CA389671994.
Genomic context (GRCh38, chr14:50,614,494, plus strand): 5'-CCAACATTTCCTGTTTTCTGCTACCTCATCCTGGCTTAAAAGTAGCTACCAATCCAAACT[T>G]TGATGGAAAATTGAAAGGTTTGTGTCTTTTAATGAATATGTTTGCATCACTTAGTCTGAT-3'
Protein context (NP_056999.2, residues 272-292): PGLKVATNPN[Phe282Cys]DGKLKEIDDE

ClinVar aggregate classification (germline): Uncertain significance (1 of 4 stars; one submission).

Submission:

GeneDx
Classification: Uncertain significance. Last evaluated: 2022-12-20. Review status: criteria provided, single submitter. Criteria: GeneDx Variant Classification Process June 2021. Collection method: clinical testing. Allele origin: germline. Affected: yes.
Comment: Not observed at significant frequency in large population cohorts (gnomAD); In silico analysis supports that this missense variant has a deleterious effect on protein structure/function; Has not been previously published as pathogenic or benign to our knowledge; This variant is associated with the following publications: (PMID: 23334294)